The following is an entry in ClinVar:

ClinVar aggregate classification (germline): Pathogenic (0 of 4 stars; one submission).

Conditions:
Neurodevelopmental disorder with hypotonia, stereotypic hand movements, and impaired language. Also called: Intellectual disability, autosomal dominant 20. Identifiers: Orphanet 228384, Orphanet 664410, MedGen C3150700, MONDO:0013266, OMIM 613443.

Submission:

Centro Hospitalar S Joao, Faculty of Medicine of Porto
Classification: Pathogenic for Neurodevelopmental disorder with hypotonia, stereotypic hand movements, and impaired language. Last evaluated: 2013-12-20. Review status: no assertion criteria provided. Collection method: clinical testing. Allele origin: de novo. Inheritance: Autosomal dominant inheritance. Affected: yes. Observed: 1 variant allele, 1 heterozygote. Study: MEF2C haploinsufficiency syndrome: report of a new MEF2C mutation.
Comment: This variant is predicted to be pathogenic (according to Mutation taster (MT), PolyPhen-2 (PP-2) and Sorts Intolerant From Tolerant (SIFT).

Literature cited by the submitters: PubMed 27255693.

NM_002397.5(MEF2C):c.9A>T (p.Arg3Ser)

Gene: MEF2C (myocyte enhancer factor 2C; minus strand). Cytogenetic location: 5q14.3.
Variant type: single nucleotide variant.
Coding change: c.9A>T on transcript NM_002397.5 (MANE Select); coding-DNA position 9, A replaced by T.
Protein change: p.Arg3Ser; replaces arginine 3 with serine.
Molecular consequence: missense variant.
Genome position (GRCh38, 1-based): chr5:88,823,780, T>A on the plus strand (A>T on the coding strand, the complement: MEF2C is on the minus strand). VCF-style: chr5-88823780-T-A. GRCh37 (hg19) VCF-style: chr5-88119597-T-A.
Other names: c.9A>T, p.Arg3Ser (NM_001131005.2, NM_001193347.1, NM_001193348.1 and 29 more transcripts); short protein forms R3S.
Identifiers: ClinVar variation 218315 (VCV000218315.2), dbSNP rs876661308, ClinGen allele CA10575830.